The following is an entry in ClinVar:

ClinVar aggregate classification (germline): Uncertain significance. Review status: criteria provided, multiple submitters, no conflicts (2 of 4 stars). 2 submissions from 2 submitters: Uncertain significance (2). Last evaluated 2025-03-30.

Conditions:
Hereditary cancer-predisposing syndrome. Also called: Tumor predisposition; Neoplastic Syndromes, Hereditary; Hereditary Cancer Syndrome; Hereditary neoplastic syndrome. Identifiers: Orphanet 140162, MedGen C0027672, MeSH D009386, MONDO:0015356.
Birt-Hogg-Dube syndrome. Also called: Birt Hogg Dubé syndrome. Identifiers: Orphanet 122, MedGen C0346010, MONDO:0800444.

gnomAD v4.1: 2 of 1,608,986 alleles (0.00012%); highest among the groups gnomAD compares: Non-Finnish European, 0.000085%; no homozygotes.

Submissions (2):

Labcorp Genetics (formerly Invitae), Labcorp
Classification: Uncertain significance for Birt-Hogg-Dube syndrome. Last evaluated: 2025-03-30. Review status: criteria provided, single submitter. Criteria: Invitae Variant Classification Sherloc (09022015). Collection method: clinical testing. Allele origin: germline.
Comment: This sequence change replaces leucine, which is neutral and non-polar, with phenylalanine, which is neutral and non-polar, at codon 391 of the FLCN protein (p.Leu391Phe). This variant is not present in population databases (gnomAD no frequency). This variant has not been reported in the literature in individuals affected with FLCN-related conditions. ClinVar contains an entry for this variant (Variation ID: 485620). Invitae Evidence Modeling of protein sequence and biophysical properties (such as structural, functional, and spatial information, amino acid conservation, physicochemical variation, residue mobility, and thermodynamic stability) indicates that this missense variant is not expected to disrupt FLCN protein function with a negative predictive value of 80%. In summary, the available evidence is currently insufficient to determine the role of this variant in disease. Therefore, it has been classified as a Variant of Uncertain Significance.

Ambry Genetics
Classification: Uncertain significance for Hereditary cancer-predisposing syndrome. Last evaluated: 2024-11-09. Review status: criteria provided, single submitter. Criteria: Ambry Variant Classification Scheme 2023. Collection method: clinical testing. Allele origin: germline.
Comment: The p.L391F variant (also known as c.1171C>T), located in coding exon 7 of the FLCN gene, results from a C to T substitution at nucleotide position 1171. The leucine at codon 391 is replaced by phenylalanine, an amino acid with highly similar properties. This amino acid position is highly conserved in available vertebrate species. In addition, this alteration is predicted to be deleterious by in silico analysis. Since supporting evidence is limited at this time, the clinical significance of this alteration remains unclear.

NM_144997.7(FLCN):c.1171C>T (p.Leu391Phe)

Gene: FLCN (folliculin; minus strand). Cytogenetic location: 17p11.2.
Variant type: single nucleotide variant.
Coding change: c.1171C>T on transcript NM_144997.7 (MANE Select); coding-DNA position 1171, C replaced by T.
Protein change: p.Leu391Phe; replaces leucine 391 with phenylalanine.
Molecular consequence: missense variant.
Genome position (GRCh38, 1-based): chr17:17,217,074, G>A on the plus strand (C>T on the coding strand, the complement: FLCN is on the minus strand). VCF-style: chr17-17217074-G-A. GRCh37 (hg19) VCF-style: chr17-17120388-G-A.
Other names: c.1171C>T (LRG_325t1); c.1225C>T, p.Leu409Phe (NM_001353229.2); c.1171C>T, p.Leu391Phe (NM_001353230.2, NM_001353231.2); short protein forms L391F, L409F.
Identifiers: ClinVar variation 485620 (VCV000485620.13), dbSNP rs1555607942, ClinGen allele CA398532106.